The following is an entry in ClinVar:

ClinVar aggregate classification (germline): Uncertain significance (1 of 4 stars; one submission).

Conditions:
Pierson syndrome. Also called: MICROCORIA-CONGENITAL NEPHROTIC SYNDROME. Identifiers: Orphanet 2670, MedGen C1836876, MONDO:0012184, OMIM 609049.
LAMB2-related infantile-onset nephrotic syndrome. Also called: Nephrotic Syndrome, type 5; NEPHROTIC SYNDROME, TYPE 5, WITHOUT OCULAR ABNORMALITIES; NEPHROTIC SYNDROME, TYPE 5, WITH OCULAR ABNORMALITIES. Identifiers: Orphanet 306507, MedGen C3280113, MONDO:0013621, OMIM 614199.

Allele frequency attached by ClinVar (database versions not stated): ExAC 0.00001; gnomAD 0.00001; gnomAD exomes 0.00001.
gnomAD v4.1: 8 of 1,613,826 alleles (0.0005%); highest among the groups gnomAD compares: African/African-American, 0.0027%; no homozygotes.

Submission:

Labcorp Genetics (formerly Invitae), Labcorp
Classification: Uncertain significance for LAMB2-related infantile-onset nephrotic syndrome; Pierson syndrome. Last evaluated: 2023-11-10. Review status: criteria provided, single submitter. Criteria: Invitae Variant Classification Sherloc (09022015). Collection method: clinical testing. Allele origin: germline.
Comment: This sequence change replaces arginine, which is basic and polar, with histidine, which is basic and polar, at codon 897 of the LAMB2 protein (p.Arg897His). This variant is present in population databases (rs375392013, gnomAD 0.003%). This variant has not been reported in the literature in individuals affected with LAMB2-related conditions. ClinVar contains an entry for this variant (Variation ID: 1035158). An algorithm developed to predict the effect of missense changes on protein structure and function (PolyPhen-2) suggests that this variant is likely to be disruptive. In summary, the available evidence is currently insufficient to determine the role of this variant in disease. Therefore, it has been classified as a Variant of Uncertain Significance.

NM_002292.4(LAMB2):c.2690G>A (p.Arg897His)

Gene: LAMB2 (laminin subunit beta 2; minus strand). Cytogenetic location: 3p21.31.
Variant type: single nucleotide variant.
Coding change: c.2690G>A on transcript NM_002292.4 (MANE Select); coding-DNA position 2690, G replaced by A.
Protein change: p.Arg897His; replaces arginine 897 with histidine.
Molecular consequence: missense variant.
Genome position (GRCh38, 1-based): chr3:49,125,283, C>T on the plus strand (G>A on the coding strand, the complement: LAMB2 is on the minus strand). VCF-style: chr3-49125283-C-T. GRCh37 (hg19) VCF-style: chr3-49162716-C-T.
Other names: short protein forms R897H.
Identifiers: ClinVar variation 1035158 (VCV001035158.5), dbSNP rs375392013, ClinGen allele CA2394249.